The following is an entry in ClinVar:

ClinVar aggregate classification (germline): Pathogenic (1 of 4 stars; one submission).

Submission:

Labcorp Genetics (formerly Invitae), Labcorp
Classification: Pathogenic. Last evaluated: 2022-07-05. Review status: criteria provided, single submitter. Criteria: Invitae Variant Classification Sherloc (09022015). Collection method: clinical testing. Allele origin: germline.
Comment: This sequence change creates a premature translational stop signal (p.Leu5Alafs*30) in the TMEM199 gene. It is expected to result in an absent or disrupted protein product. Loss-of-function variants in TMEM199 are known to be pathogenic (PMID: 26833330, 29321044). This variant is present in population databases (rs782563182, gnomAD 0.005%). This premature translational stop signal has been observed in individuals with congenital disorders of glycosylation (PMID: 29321044). For these reasons, this variant has been classified as Pathogenic.

Literature cited by the submitters: PubMed 26833330; PubMed 29321044.

NM_152464.3(VMA12):c.13_14del (p.Leu5fs)

Gene: VMA12 (vacuolar ATPase assembly factor VMA12; plus strand). Cytogenetic location: 17q11.2.
Variant type: Deletion.
Coding change: c.13_14del on transcript NM_152464.3 (MANE Select); coding-DNA positions 13 to 14, 2 bases deleted (TT; older notation c.13_14delTT).
Protein change: p.Leu5fs; shifts the reading frame from leucine 5.
Molecular consequence: frameshift variant.
Genome position (GRCh38, 1-based): chr17:28,357,683-28,357,684, TT deleted; deleting any 2 consecutive bases within chr17:28,357,682-28,357,684 gives the same sequence; the c. name uses the placement nearest the transcript's 3' end. VCF-style (leftmost placement, unchanged base first): chr17-28357681-CTT-C. GRCh37 (hg19) VCF-style: chr17-26684704-CTT-C.
Other names: short protein forms L5fs.
Identifiers: ClinVar variation 2200444 (VCV002200444.1), dbSNP rs782563182, ClinGen allele CA8456913.
Genomic context (GRCh38, chr17:28,357,681, plus strand): 5'-GGCGGGCGGAAGTCCGGGTTGGGGTCACCTGACCGGAGAGCCGGCTAGATATGGCGTCCT[CTT>C]TGCTTGCGGGCGAGCGATTGGTGCGTGCTTTGGGCCCCGGCGGGGAGCTGGAGCCAGAGC-3'